The following is an entry in ClinVar:

NM_001349253.2(SCN11A):c.2419A>G (p.Ile807Val)

Gene: SCN11A (sodium voltage-gated channel alpha subunit 11; minus strand). Cytogenetic location: 3p22.2.
Variant type: single nucleotide variant.
Coding change: c.2419A>G on transcript NM_001349253.2 (MANE Select); coding-DNA position 2419, A replaced by G.
Protein change: p.Ile807Val; replaces isoleucine 807 with valine.
Molecular consequence: missense variant.
Genome position (GRCh38, 1-based): chr3:38,894,949, T>C on the plus strand (A>G on the coding strand, the complement: SCN11A is on the minus strand). VCF-style: chr3-38894949-T-C. GRCh37 (hg19) VCF-style: chr3-38936440-T-C.
Other names: c.2419A>G, p.Ile807Val (NM_014139.3); short protein forms I807V.
Identifiers: ClinVar variation 1284741 (VCV001284741.12), dbSNP rs1055160429, ClinGen allele CA72997931.
Genomic context (GRCh38, chr3:38,894,949, plus strand): 5'-CCTCTCCTTCTAAGTTTCCATTTCTTTCCTCATTGCTAAAGGAATTGAGCAGTAAGGCAA[T>C]GAAGAGGTTGAGCACCTGGGAATGGGGTGGGTAGCAAGAAGAAAGGAAAGTTTAGCAAAG-3'
Protein context (NP_001336182.1, residues 797-817): IGKLVVLNLF[Ile807Val]ALLLNSFSNE

ClinVar aggregate classification (germline): Uncertain significance. Review status: criteria provided, single submitter (1 of 4 stars). 3 submissions from 3 submitters: Uncertain significance (1). 2 of the submissions do not count toward it. Last evaluated 2025-12-03.

Conditions:
Hereditary sensory and autonomic neuropathy type 7. Also called: HSAN VII; Neuropathy, hereditary sensory and autonomic, type VII. Identifiers: Orphanet 391397, MedGen C3809882, MONDO:0014244, OMIM 615548.
Familial episodic pain syndrome with predominantly lower limb involvement. Also called: Episodic pain syndrome, familial, 3. Identifiers: Orphanet 391384, Orphanet 391392, MedGen C3809899, MONDO:0014247, OMIM 615552.

Allele frequency attached by ClinVar (database versions not stated): gnomAD 0.00002; gnomAD exomes 0.00001 and 0.00002; TOPMed 0.00001.
gnomAD v4.1: 16 of 1,608,254 alleles (0.00099%); highest among the groups gnomAD compares: East Asian, 0.0022%; no homozygotes.

Submissions (3):

Labcorp Genetics (formerly Invitae), Labcorp
Classification: Uncertain significance for Familial episodic pain syndrome with predominantly lower limb involvement; Hereditary sensory and autonomic neuropathy type 7. Last evaluated: 2025-12-03. Review status: criteria provided, single submitter. Criteria: Invitae Variant Classification Sherloc (09022015). Collection method: clinical testing. Allele origin: germline.
Comment: This sequence change replaces isoleucine, which is neutral and non-polar, with valine, which is neutral and non-polar, at codon 807 of the SCN11A protein (p.Ile807Val). This variant is present in population databases (no rsID available, gnomAD 0.005%). This variant has not been reported in the literature in individuals affected with SCN11A-related conditions. ClinVar contains an entry for this variant (Variation ID: 1284741). Invitae Evidence Modeling of protein sequence and biophysical properties (such as structural, functional, and spatial information, amino acid conservation, physicochemical variation, residue mobility, and thermodynamic stability) indicates that this missense variant is not expected to disrupt SCN11A protein function with a negative predictive value of 80%. In summary, the available evidence is currently insufficient to determine the role of this variant in disease. Therefore, it has been classified as a Variant of Uncertain Significance.

Clinical Genetics, Academic Medical Center
Classification: Uncertain significance. Review status: no assertion criteria provided. Collection method: clinical testing. Allele origin: germline. Affected: yes. Study: VKGL Data-share Consensus. Not counted in ClinVar's aggregate classification.

Joint Genome Diagnostic Labs from Nijmegen and Maastricht, Radboudumc and MUMC+
Classification: Uncertain significance. Review status: no assertion criteria provided. Collection method: clinical testing. Allele origin: germline. Affected: yes. Study: VKGL Data-share Consensus. Not counted in ClinVar's aggregate classification.